The following is an entry in ClinVar:

ClinVar aggregate classification (germline): Uncertain significance (1 of 4 stars; one submission).

Conditions:
ZNF81-related disorder. Also called: ZNF81-related condition.

Submission:

PreventionGenetics, part of Exact Sciences
Classification: Uncertain significance for ZNF81-related condition. Last evaluated: 2025-06-24. Review status: criteria provided, single submitter. Criteria: ACMG Guidelines, 2015. Collection method: clinical testing. Allele origin: germline.
Comment: The ZNF81 c.1285C>T variant is predicted to result in the amino acid substitution p.Leu429Phe. To our knowledge, this variant has not been reported in the literature or in a large population database (gnomAD), indicating this variant is rare. At this time, the clinical significance of this variant is uncertain due to the absence of conclusive functional and genetic evidence.

NM_007137.5(ZNF81):c.1285C>T (p.Leu429Phe)

Gene: ZNF81 (zinc finger protein 81; plus strand). Cytogenetic location: Xp11.23.
Variant type: single nucleotide variant.
Coding change: c.1285C>T on transcript NM_007137.5 (MANE Select); coding-DNA position 1285, C replaced by T.
Protein change: p.Leu429Phe; replaces leucine 429 with phenylalanine.
Molecular consequence: missense variant. On other transcripts: intron variant (2).
Genome position (GRCh38, 1-based): chrX:47,915,931, C>T. VCF-style: chrX-47915931-C-T. GRCh37 (hg19) VCF-style: chrX-47775330-C-T.
Other names: c.1285C>T, p.Leu429Phe (NM_001378152.1, NM_001378153.1); c.278-7993C>T (NM_001378154.1); c.278-5377C>T (NM_001378155.1); short protein forms L429F.
Identifiers: ClinVar variation 4983926 (VCV004983926.1).